The following is an entry in ClinVar:

ClinVar aggregate classification (germline): Benign/Likely benign. Review status: criteria provided, multiple submitters, no conflicts (2 of 4 stars). 3 submissions from 3 submitters: Benign (1); Likely benign (2). Last evaluated 2025-10-25.

Conditions:
Hereditary cancer-predisposing syndrome. Also called: Neoplastic Syndromes, Hereditary; Tumor predisposition; Hereditary Cancer Syndrome; Hereditary neoplastic syndrome. Identifiers: Orphanet 140162, MedGen C0027672, MeSH D009386, MONDO:0015356.
Breast-ovarian cancer, familial, susceptibility to, 4. Identifiers: Orphanet 145, MedGen C3280345, MONDO:0013669, OMIM 614291.

Submissions (3):

Labcorp Genetics (formerly Invitae), Labcorp
Classification: Likely benign for Breast-ovarian cancer, familial, susceptibility to, 4. Last evaluated: 2025-10-25. Review status: criteria provided, single submitter. Criteria: Invitae Variant Classification Sherloc (09022015). Collection method: clinical testing. Allele origin: germline.

Myriad Genetics, Inc.
Classification: Benign for Breast-ovarian cancer, familial, susceptibility to, 4. Last evaluated: 2025-02-20. Review status: criteria provided, single submitter. Criteria: Myriad Autosomal Dominant, Autosomal Recessive and X-Linked Classification Criteria (2023). Collection method: clinical testing. Allele origin: unknown.
Comment: This variant is considered benign. This variant is a silent/synonymous amino acid change and it is not expected to impact splicing.

Color Diagnostics, LLC DBA Color Health
Classification: Likely benign for Hereditary cancer-predisposing syndrome. Last evaluated: 2020-04-13. Review status: criteria provided, single submitter. Criteria: ACMG Guidelines, 2015. Collection method: clinical testing. Allele origin: germline.

NM_002878.4(RAD51D):c.180G>A (p.Gln60=)

Genes: RAD51L3-RFFL (RAD51L3-RFFL readthrough; minus strand), RAD51D (RAD51 paralog D; minus strand). Cytogenetic location: 17q12.
Variant type: single nucleotide variant.
Coding change: c.180G>A on transcript NM_002878.4 (MANE Select); coding-DNA position 180, G replaced by A.
Protein change: p.Gln60=; no amino-acid change (glutamine 60 retained).
Molecular consequence: synonymous variant. On other transcripts: intron variant (2).
Genome position (GRCh38, 1-based): chr17:35,118,584, C>T on the plus strand (G>A on the coding strand, the complement: RAD51D is on the minus strand). VCF-style: chr17-35118584-C-T. GRCh37 (hg19) VCF-style: chr17-33445603-C-T.
Other names: c.144+527G>A (NM_133629.3, NM_001142571.2).
Identifiers: ClinVar variation 926804 (VCV000926804.6), dbSNP rs1423192061, ClinGen allele CA1139665484.